The following is an entry in ClinVar:

NM_001458.5(FLNC):c.3689A>C (p.Tyr1230Ser)

Gene: FLNC (filamin C; plus strand). Cytogenetic location: 7q32.1.
Variant type: single nucleotide variant.
Coding change: c.3689A>C on transcript NM_001458.5 (MANE Select); coding-DNA position 3689, A replaced by C.
Protein change: p.Tyr1230Ser; replaces tyrosine 1230 with serine.
Molecular consequence: missense variant.
Genome position (GRCh38, 1-based): chr7:128,845,154, A>C. VCF-style: chr7-128845154-A-C. GRCh37 (hg19) VCF-style: chr7-128485208-A-C.
Other names: c.3689A>C, p.Tyr1230Ser (NM_001127487.2); short protein forms Y1230S.
Identifiers: ClinVar variation 2946250 (VCV002946250.3), dbSNP rs863225116, ClinGen allele CA369197698.

ClinVar aggregate classification (germline): Uncertain significance (1 of 4 stars; one submission).

Conditions:
Myofibrillar myopathy 5. Also called: Filaminopathy (type); FILAMINOPATHY, AUTOSOMAL DOMINANT. Identifiers: Orphanet 171445, MedGen C1836050, MONDO:0012289, OMIM 609524.
Hypertrophic cardiomyopathy 26. Also called: Cardiomyopathy, familial hypertrophic, 26. Identifiers: Orphanet 75249, MedGen C4310749, MONDO:0014883, OMIM 617047.
Distal myopathy with posterior leg and anterior hand involvement. Also called: WILLIAMS DISTAL MYOPATHY. Identifiers: Orphanet 63273, MedGen C3279722, MONDO:0013550, OMIM 614065.

Submission:

Labcorp Genetics (formerly Invitae), Labcorp
Classification: Uncertain significance for Distal myopathy with posterior leg and anterior hand involvement; Myofibrillar myopathy 5; Hypertrophic cardiomyopathy 26. Last evaluated: 2023-04-06. Review status: criteria provided, single submitter. Criteria: Invitae Variant Classification Sherloc (09022015). Collection method: clinical testing. Allele origin: germline.
Comment: This variant has not been reported in the literature in individuals affected with FLNC-related conditions. This sequence change replaces tyrosine, which is neutral and polar, with serine, which is neutral and polar, at codon 1230 of the FLNC protein (p.Tyr1230Ser). This variant is not present in population databases (gnomAD no frequency). Advanced modeling of protein sequence and biophysical properties (such as structural, functional, and spatial information, amino acid conservation, physicochemical variation, residue mobility, and thermodynamic stability) has been performed at Invitae for this missense variant, however the output from this modeling did not meet the statistical confidence thresholds required to predict the impact of this variant on FLNC protein function. Algorithms developed to predict the effect of sequence changes on RNA splicing suggest that this variant may disrupt the consensus splice site. In summary, the available evidence is currently insufficient to determine the role of this variant in disease. Therefore, it has been classified as a Variant of Uncertain Significance.